The following is an entry in ClinVar:

ClinVar aggregate classification (germline): Likely pathogenic (1 of 4 stars; one submission).

Submission:

Labcorp Genetics (formerly Invitae), Labcorp
Classification: Likely pathogenic. Last evaluated: 2022-11-23. Review status: criteria provided, single submitter. Criteria: Invitae Variant Classification Sherloc (09022015). Collection method: clinical testing. Allele origin: germline.
Comment: In summary, the currently available evidence indicates that the variant is pathogenic, but additional data are needed to prove that conclusively. Therefore, this variant has been classified as Likely Pathogenic. Algorithms developed to predict the effect of sequence changes on RNA splicing suggest that this variant may disrupt the consensus splice site. This variant has not been reported in the literature in individuals affected with EIF2AK3-related conditions. This variant is not present in population databases (gnomAD no frequency). This sequence change affects a donor splice site in intron 3 of the EIF2AK3 gene. It is expected to disrupt RNA splicing. Variants that disrupt the donor or acceptor splice site typically lead to a loss of protein function (PMID: 16199547), and loss-of-function variants in EIF2AK3 are known to be pathogenic (PMID: 11997520).

Literature cited by the submitters: PubMed 16199547; PubMed 11997520.

NM_004836.7(EIF2AK3):c.633+1G>T

Gene: EIF2AK3 (eukaryotic translation initiation factor 2 alpha kinase 3; minus strand). Cytogenetic location: 2p11.2.
Variant type: single nucleotide variant.
Coding change: c.633+1G>T on transcript NM_004836.7 (MANE Select); the canonical splice donor site of the intron after coding-DNA position 633, G replaced by T.
Molecular consequence: splice donor variant.
Genome position (GRCh38, 1-based): chr2:88,595,468, C>A on the plus strand (G>T on the coding strand, the complement: EIF2AK3 is on the minus strand). VCF-style: chr2-88595468-C-A. GRCh37 (hg19) VCF-style: chr2-88894986-C-A.
Other names: c.180+1G>T (NM_001313915.2).
Identifiers: ClinVar variation 2815731 (VCV002815731.3), dbSNP rs2529182214, ClinGen allele CA347596582.